The following is an entry in ClinVar:

ClinVar aggregate classification (germline): Uncertain significance. Review status: criteria provided, multiple submitters, no conflicts (2 of 4 stars). 2 submissions from 2 submitters: Uncertain significance (2). Last evaluated 2023-03-22.

Conditions:
Inborn genetic diseases. Identifiers: MedGen C0950123, MeSH D030342.
Primary ciliary dyskinesia 30. Also called: CILIARY DYSKINESIA, PRIMARY, 30, WITH OR WITHOUT SITUS INVERSUS. Identifiers: Orphanet 244, MedGen C4015016, MONDO:0014465, OMIM 616037.

Allele frequency attached by ClinVar (database versions not stated): TOPMed 0.00001.

Submissions (2):

Ambry Genetics
Classification: Uncertain significance for Inborn genetic diseases. Last evaluated: 2023-03-22. Review status: criteria provided, single submitter. Criteria: Ambry Variant Classification Scheme 2023. Collection method: clinical testing. Allele origin: germline.

Labcorp Genetics (formerly Invitae), Labcorp
Classification: Uncertain significance for Primary ciliary dyskinesia 30. Last evaluated: 2016-09-27. Review status: criteria provided, single submitter. Criteria: Invitae Variant Classification Sherloc (09022015). Collection method: clinical testing. Allele origin: germline.
Comment: This sequence change replaces lysine with arginine at codon 439 of the CCDC151 protein (p.Lys439Arg). The lysine residue is moderately conserved and there is a small physicochemical difference between lysine and arginine. In summary, this variant is a novel missense change that is not predicted to affect protein function. There is no indication that it causes disease, but the available evidence is currently insufficient to prove that conclusively. Therefore, it has been classified as a Variant of Uncertain Significance. Algorithms developed to predict the effect of missense changes on protein structure and function output the following: (SIFT: "Tolerated"; PolyPhen-2: "Benign"; Align-GVGD: "Class C0"). The arginine amino acid residue is found in multiple mammalian species, suggesting that this missense change does not adversely affect protein function. These predictions have not been confirmed by published functional studies. This variant is not present in population databases (ExAC no frequency) and has not been reported in the literature in individuals with a CCDC151-related disease.

NM_145045.5(ODAD3):c.1316A>G (p.Lys439Arg)

Gene: ODAD3 (outer dynein arm docking complex subunit 3; minus strand). Cytogenetic location: 19p13.2.
Variant type: single nucleotide variant.
Coding change: c.1316A>G on transcript NM_145045.5 (MANE Select); coding-DNA position 1316, A replaced by G.
Protein change: p.Lys439Arg; replaces lysine 439 with arginine.
Molecular consequence: missense variant.
Genome position (GRCh38, 1-based): chr19:11,422,589, T>C on the plus strand (A>G on the coding strand, the complement: ODAD3 is on the minus strand). VCF-style: chr19-11422589-T-C. GRCh37 (hg19) VCF-style: chr19-11533257-T-C.
Other names: c.1154A>G, p.Lys385Arg (NM_001302453.1); c.1136A>G, p.Lys379Arg (NM_001302454.2); short protein forms K439R, K379R, K385R.
Identifiers: ClinVar variation 406818 (VCV000406818.10), dbSNP rs1060501320, ClinGen allele CA16615994.